The following is an entry in ClinVar:

NM_022893.4(BCL11A):c.62C>T (p.Pro21Leu)

Gene: BCL11A (BCL11 transcription factor A; minus strand). Cytogenetic location: 2p16.1.
Variant type: single nucleotide variant.
Coding change: c.62C>T on transcript NM_022893.4 (MANE Select); coding-DNA position 62, C replaced by T.
Protein change: p.Pro21Leu; replaces proline 21 with leucine.
Molecular consequence: missense variant. On other transcripts: 5 prime UTR variant (20).
Genome position (GRCh38, 1-based): chr2:60,546,294, G>A on the plus strand (C>T on the coding strand, the complement: BCL11A is on the minus strand). VCF-style: chr2-60546294-G-A. GRCh37 (hg19) VCF-style: chr2-60773429-G-A.
Other names: c.62C>T, p.Pro21Leu (NM_001363864.1, NM_001365609.1, NM_001405708.1 and 10 more transcripts); c.-95C>T (NM_001405713.1, NM_001405714.1, NM_001405715.1 and 10 more transcripts); c.-364C>T (NM_001405720.1, NM_001405721.1); c.-614C>T (NM_001405725.1, NM_001405726.1, NM_001405731.1); c.-471C>T (NM_001405727.1, NM_001405728.1); short protein forms P21L.
Identifiers: ClinVar variation 3235794 (VCV003235794.1), dbSNP rs1573096953, ClinGen allele CA347041199.
Genomic context (GRCh38, chr2:60,546,294, plus strand): 5'-CCTTCTGGAGCTCCCAACGGGCCGTGGTCTGGTTCATCATCTGTAAGAATGGCTTCAAGA[G>A]GCTCGGCTGTGGTTGGAGAAACAAAAGCACAATTATTAGAGTGCCAGAGAGGACAGAAAG-3'
Protein context (NP_075044.2, residues 11-31): HLSKREFSPE[Pro21Leu]LEAILTDDEP

ClinVar aggregate classification (germline): Uncertain significance (1 of 4 stars; one submission).

Allele frequency attached by ClinVar (database versions not stated): TOPMed below 0.00001.

Submission:

Greenwood Genetic Center Diagnostic Laboratories, Greenwood Genetic Center
Classification: Uncertain significance. Last evaluated: 2024-03-15. Review status: criteria provided, single submitter. Criteria: ACMG Guidelines, 2015. Collection method: clinical testing. Allele origin: germline. Affected: yes.
Comment: PM2, PP2